The following is an entry in ClinVar:

ClinVar aggregate classification (germline): Uncertain significance (1 of 4 stars; one submission).

Conditions:
Hereditary cancer-predisposing syndrome. Also called: Neoplastic Syndromes, Hereditary; Tumor predisposition; Hereditary Cancer Syndrome; Hereditary neoplastic syndrome. Identifiers: Orphanet 140162, MedGen C0027672, MeSH D009386, MONDO:0015356.

Submission:

Ambry Genetics
Classification: Uncertain significance for Hereditary cancer-predisposing syndrome. Last evaluated: 2019-04-04. Review status: criteria provided, single submitter. Criteria: Ambry Variant Classification Scheme 2023. Collection method: clinical testing. Allele origin: germline.
Comment: The p.T1225A variant (also known as c.3673A>G), located in coding exon 8 of the MSH6 gene, results from an A to G substitution at nucleotide position 3673. The threonine at codon 1225 is replaced by alanine, an amino acid with similar properties. This amino acid position is highly conserved in available vertebrate species. In addition, this alteration is predicted to be deleterious by in silico analysis. In addition, the CoDP in silico tool predicts this alteration to likely impact molecular function, with a score of 0.947 (Terui H et al. J. Biomed. Sci. 2013 Apr;20:25). Since supporting evidence is limited at this time, the clinical significance of this alteration remains unclear.

NM_000179.3(MSH6):c.3673A>G (p.Thr1225Ala)

Gene: MSH6 (mutS homolog 6; plus strand). Cytogenetic location: 2p16.3.
Variant type: single nucleotide variant.
Coding change: c.3673A>G on transcript NM_000179.3 (MANE Select); coding-DNA position 3673, A replaced by G.
Protein change: p.Thr1225Ala; replaces threonine 1225 with alanine.
Molecular consequence: missense variant.
Genome position (GRCh38, 1-based): chr2:47,806,230, A>G. VCF-style: chr2-47806230-A-G. GRCh37 (hg19) VCF-style: chr2-48033369-A-G.
Other names: c.3283A>G, p.Thr1095Ala (NM_001281492.2); c.2767A>G, p.Thr923Ala (NM_001281493.2, NM_001281494.2, NM_001406811.1 and 6 more transcripts); c.3769A>G, p.Thr1257Ala (NM_001406795.1, NM_001406802.1); c.3673A>G, p.Thr1225Ala (NM_001406796.1, NM_001406800.1, NM_001406808.1 and 1 more transcripts); c.3376A>G, p.Thr1126Ala (NM_001406797.1, NM_001406801.1, NM_001406805.1 and 10 more transcripts); c.3499A>G, p.Thr1167Ala (NM_001406798.1); c.3148A>G, p.Thr1050Ala (NM_001406799.1, NM_001406806.1, NM_001406807.1); c.2809A>G, p.Thr937Ala (NM_001406803.1); and 7 more; short protein forms T1169A, T152A, T703A, T1050A, T1095A, T1126A, T1225A, T1257A.
Identifiers: ClinVar variation 1733809 (VCV001733809.2), dbSNP rs2104538069, ClinGen allele CA346760869.